The following is an entry in ClinVar:

NM_003070.5(SMARCA2):c.827A>C (p.Gln276Pro)

Gene: SMARCA2 (SWI/SNF related BAF chromatin remodeling complex subunit ATPase 2; plus strand). Cytogenetic location: 9p24.3.
Variant type: single nucleotide variant.
Coding change: c.827A>C on transcript NM_003070.5 (MANE Select); coding-DNA position 827, A replaced by C.
Protein change: p.Gln276Pro; replaces glutamine 276 with proline.
Molecular consequence: missense variant.
Genome position (GRCh38, 1-based): chr9:2,047,265, A>C. VCF-style: chr9-2047265-A-C. GRCh37 (hg19) VCF-style: chr9-2047265-A-C.
Other names: c.827A>C, p.Gln276Pro (NM_001289396.2, NM_001289397.2, NM_139045.4); short protein forms Q276P.
Identifiers: ClinVar variation 3905781 (VCV003905781.10).

ClinVar aggregate classification (germline): Uncertain significance (1 of 4 stars; one submission).

Submission:

CeGaT Center for Human Genetics Tuebingen
Classification: Uncertain significance. Last evaluated: 2025-05-01. Review status: criteria provided, single submitter. Criteria: CeGaT Center For Human Genetics Tuebingen Variant Classification Criteria Version 2. Collection method: clinical testing. Allele origin: germline. Affected: yes. Observed: 1 variant allele.
Comment: SMARCA2: PP2, PP3